The following is an entry in ClinVar:

NM_002693.3(POLG):c.1550G>T (p.Gly517Val)

Gene: POLG (DNA polymerase gamma, catalytic subunit; minus strand). Cytogenetic location: 15q26.1.
Variant type: single nucleotide variant.
Coding change: c.1550G>T on transcript NM_002693.3 (MANE Select); coding-DNA position 1550, G replaced by T.
Protein change: p.Gly517Val; replaces glycine 517 with valine.
Molecular consequence: missense variant.
Genome position (GRCh38, 1-based): chr15:89,326,947, C>A on the plus strand (G>T on the coding strand, the complement: POLG is on the minus strand). VCF-style: chr15-89326947-C-A. GRCh37 (hg19) VCF-style: chr15-89870178-C-A.
Other names: p.G517V:GGG>GTG; c.1550G>T, p.Gly517Val (NM_001126131.2); short protein forms G517V.
Identifiers: ClinVar variation 65665 (VCV000065665.101), dbSNP rs61752783, ClinGen allele CA204012.

ClinVar aggregate classification (germline): Benign/Likely benign. Review status: criteria provided, multiple submitters, no conflicts (2 of 4 stars). 25 submissions from 25 submitters: Benign (8); Likely benign (9). 8 of the submissions do not count toward it. Last evaluated 2026-09-01.

Conditions:
POLG-related disorder. Also called: POLG-related condition; POLG-Related Disorders; POLG-Related Spectrum Disorders. Identifiers: MedGen C4763519.
Inborn genetic diseases. Identifiers: MedGen C0950123, MeSH D030342.
Idiopathic camptocormia. Also called: Camptocormism; Camptocormia; Bent spine; Bent Spine Syndrome. Identifiers: Orphanet 1320, MedGen C0264162, MONDO:0015271, HP:0100595.
Hereditary spastic paraplegia. Also called: Familial spastic paraparesis. Identifiers: Orphanet 685, MedGen C0037773, MONDO:0019064. Disease mechanism: loss of function.
Mitochondrial disease. Also called: Mitochondrial disorders; Mitochondrial disorder. Identifiers: Orphanet 68380, MedGen C0751651, MeSH D028361, MONDO:0044970.
Progressive sclerosing poliodystrophy (MTDPS4A). Also called: Mitochondrial DNA Depletion Syndrome 4A; Alpers-Huttenlocher Syndrome (AHS); Alpers-Huttenlocher Syndrome; NEURONAL DEGENERATION OF CHILDHOOD WITH LIVER DISEASE, PROGRESSIVE; Mitochondrial DNA depletion syndrome 4A (Alpers type); Alpers Syndrome. Identifiers: Orphanet 726, MedGen C0205710, MONDO:0008758, OMIM 203700.
Tip-toe gait. Also called: Toe walking. Identifiers: MedGen C0427144, HP:0030051.

Allele frequency attached by ClinVar (database versions not stated): ExAC 0.00475; gnomAD 0.00509 and 0.00516; 1000 Genomes Project 0.00379; gnomAD exomes 0.00477 and 0.00649; TOPMed 0.00493; ESP Exome Variant Server 0.00600; 1000 Genomes Project 30x 0.00422.
gnomAD v4.1: 10,228 of 1,614,202 alleles (0.63%); highest among the groups gnomAD compares: Non-Finnish European, 0.76%; 35 homozygotes.

Submissions 1 to 22 of 36:

CeGaT Center for Human Genetics Tuebingen
Classification: Likely benign. Last evaluated: 2026-09-01. Review status: criteria provided, single submitter. Criteria: CeGaT Center For Human Genetics Tuebingen Variant Classification Criteria Version 2. Collection method: clinical testing. Allele origin: germline. Affected: yes. Observed: 117 variant alleles.
Comment: POLG: BP4, BS2

Labcorp Genetics (formerly Invitae), Labcorp
Classification: Benign for Progressive sclerosing poliodystrophy. Last evaluated: 2026-02-03. Review status: criteria provided, single submitter. Criteria: Invitae Variant Classification Sherloc (09022015). Collection method: clinical testing. Allele origin: germline.

Athena Diagnostics
Classification: Benign. Last evaluated: 2025-10-30. Review status: criteria provided, single submitter. Criteria: Athena Diagnostics Criteria. Collection method: clinical testing. Allele origin: unknown.
Comment: The frequency of this variant in the general population is higher than would generally be expected for pathogenic variants in this gene. Computational tools predict this amino acid change may be benign. This variant has been seen where an alternate explanation for disease was also identified. Assessment of experimental evidence regarding the effect of this variant on protein function suggests it has no effect relevant to disease.

Center for Genomics, Ann and Robert H. Lurie Children's Hospital of Chicago
Classification: Likely benign for Mitochondrial disease. Last evaluated: 2025-07-15. Review status: criteria provided, single submitter. Criteria: ACMG Guidelines, 2015. Collection method: clinical testing. Allele origin: germline.
Comment: BS1, BP4

Laboratory of Genetics, Children's Clinical University Hospital Latvia
Classification: Benign. Last evaluated: 2025-02-16. Review status: criteria provided, single submitter. Criteria: ACMG Guidelines, 2015. Collection method: clinical testing. Allele origin: germline. Affected: yes.

Blueprint Genetics
Classification: Likely benign. Last evaluated: 2024-11-27. Review status: criteria provided, single submitter. Criteria: ACMG Guidelines, 2015. Collection method: clinical testing. Allele origin: germline.

ARUP Laboratories, Molecular Genetics and Genomics, ARUP Laboratories
Classification: Benign. Last evaluated: 2024-11-12. Review status: criteria provided, single submitter. Criteria: ARUP Molecular Germline Variant Investigation Process 2024. Collection method: clinical testing. Allele origin: germline.

Genome Diagnostics Laboratory, The Hospital for Sick Children
Classification: Benign for Hereditary spastic paraplegia. Last evaluated: 2021-01-22. Review status: criteria provided, single submitter. Criteria: ACMG Guidelines, 2015. Collection method: clinical testing. Allele origin: germline. Affected: yes.

Mendelics
Classification: Likely benign for Progressive sclerosing poliodystrophy. Last evaluated: 2019-05-28. Review status: criteria provided, single submitter. Criteria: Mendelics Assertion Criteria 2017. Collection method: clinical testing. Allele origin: unknown.

Genetic Services Laboratory, University of Chicago
Classification: Likely benign. Last evaluated: 2019-01-24. Review status: criteria provided, single submitter. Criteria: ACMG Guidelines, 2015. Collection method: clinical testing. Allele origin: germline. Affected: no.

Laboratory for Molecular Medicine, Mass General Brigham Personalized Medicine
Classification: Likely benign. Last evaluated: 2018-10-05. Review status: criteria provided, single submitter. Criteria: LMM Criteria. Collection method: clinical testing. Allele origin: germline. Observed: 1 variant allele.
Comment: The c.1550G>T (p.Gly517Val) variant is classified as likely benign due to its fr equency in the general population. This variant has been identified in 0.73% (92 5/126620) of European chromosomes by the Genome Aggregation Database (gnomAD), including 3 homozygotes. In addition, function al studies demonstrate an effect indistinguishable from wild type.

Wong Mito Lab, Molecular and Human Genetics, Baylor College of Medicine
Classification: Benign for Progressive sclerosing poliodystrophy. Last evaluated: 2018-10-01. Review status: criteria provided, single submitter. Criteria: ACMG Guidelines, 2015. Collection method: clinical testing. Allele origin: germline.
Comment: The NM_002693.2:c.1550G>T (NP_002684.1:p.Gly517Val) [GRCH38: NC_000015.10:g.89326947C>A] variant in POLG gene is interpretated to be a Benign based on ACMG guidelines (PMID: 25741868). This variant has been reported in PMID:16621917 . This variant meets the following evidence codes reported in the ACMG-guideline. BS1:The minor allele frequency of this allele is high for Mitochondrial DNA depletion syndrome 4A (Alpers type). BS2:Observation of the variant in controls is inconsistent with penetrance of Mitochondrial DNA depletion syndrome 4A (Alpers type). BP4:Computational evidence/predictors indicate no impact on the POLG structure, function, or protein-protein interaction. Based on the evidence criteria codes applied, the variant is suggested to be Benign.

Ambry Genetics
Classification: Likely benign for Inborn genetic diseases. Last evaluated: 2018-07-02. Review status: criteria provided, single submitter. Criteria: Ambry Variant Classification Scheme 2023. Collection method: clinical testing. Allele origin: germline.

Illumina Laboratory Services, Illumina
Classification: Likely benign for POLG-Related Spectrum Disorders. Last evaluated: 2017-04-27. Review status: criteria provided, single submitter. Criteria: ICSL Variant Classification Criteria 13 December 2019. Collection method: clinical testing. Allele origin: germline.
Comment: This variant was observed as part of a predisposition screen in an ostensibly healthy population. A literature search was performed for the gene, cDNA change, and amino acid change (where applicable). Publications were found based on this search. The evidence from the literature, in combination with allele frequency data from public databases where available, was sufficient to determine this variant is unlikely to cause disease. Therefore, this variant is classified as likely benign.

GeneDx
Classification: Benign. Last evaluated: 2016-05-25. Review status: criteria provided, single submitter. Criteria: GeneDx Variant Classification (06012015). Collection method: clinical testing. Allele origin: germline. Affected: yes.
Comment: This variant is considered likely benign or benign based on one or more of the following criteria: it is a conservative change, it occurs at a poorly conserved position in the protein, it is predicted to be benign by multiple in silico algorithms, and/or has population frequency not consistent with disease.

Center for Pediatric Genomic Medicine, Children's Mercy Hospital and Clinics
Classification: Likely benign. Last evaluated: 2016-05-19. Review status: criteria provided, single submitter. Criteria: ACMG Guidelines, 2015. Collection method: clinical testing. Allele origin: germline.
ClinVar note: Converted during submission from Likely Benign to Likely benign.

Eurofins Ntd Llc (ga)
Classification: Benign. Last evaluated: 2014-09-26. Review status: criteria provided, single submitter. Criteria: EGL Classification Definitions 2015. Collection method: clinical testing. Allele origin: germline. Observed: 2 variant alleles, 2 heterozygotes.

PreventionGenetics, part of Exact Sciences
Classification: Benign for POLG-related condition. Last evaluated: 2020-01-10. Review status: no assertion criteria provided. Collection method: clinical testing. Allele origin: germline. Not counted in ClinVar's aggregate classification.
Comment: This variant is classified as benign based on ACMG/AMP sequence variant interpretation guidelines (Richards et al. 2015 PMID: 25741868, with internal and published modifications).

Mayo Clinic Laboratories, Mayo Clinic
Classification: Likely benign. Last evaluated: 2016-03-08. Review status: no assertion criteria provided. Collection method: clinical testing. Allele origin: unknown. Not counted in ClinVar's aggregate classification.

Clinical Genetics DNA and cytogenetics Diagnostics Lab, Erasmus MC, Erasmus Medical Center
Classification: Likely benign. Review status: no assertion criteria provided. Collection method: clinical testing. Allele origin: germline. Affected: yes. Study: VKGL Data-share Consensus. Not counted in ClinVar's aggregate classification.

Diagnostic Laboratory, Department of Genetics, University Medical Center Groningen
Classification: Likely benign. Review status: no assertion criteria provided. Collection method: clinical testing. Allele origin: germline. Affected: yes. Study: VKGL Data-share Consensus. Not counted in ClinVar's aggregate classification.

Dr. Peter K. Rogan Lab, Western University
No classification provided (evidence only). Condition: Clear cell carcinoma of kidney. Review status: no classification provided. Collection method: in vitro. Allele origin: not applicable. Functional consequence: retained intron. Not counted in ClinVar's aggregate classification.